The following is an entry in ClinVar:

NM_000038.6(APC):c.893_896del (p.His298fs)

Gene: APC (APC regulator of Wnt signaling pathway; plus strand). Cytogenetic location: 5q22.2.
Variant type: Deletion.
Coding change: c.893_896del on transcript NM_000038.6 (MANE Select); coding-DNA positions 893 to 896, 4 bases deleted (ACTC; older notation c.893_896delACTC).
Protein change: p.His298fs; shifts the reading frame from histidine 298.
Molecular consequence: frameshift variant. On other transcripts: non-coding transcript variant (2).
Genome position (GRCh38, 1-based): chr5:112,815,553-112,815,556, ACTC deleted; deleting any 4 consecutive bases within chr5:112,815,552-112,815,556 gives the same sequence; the c. name uses the placement nearest the transcript's 3' end. VCF-style (leftmost placement, unchanged base first): chr5-112815551-ACACT-A. GRCh37 (hg19) VCF-style: chr5-112151248-ACACT-A.
Other names: c.893_896del, p.His298fs (NM_001127510.3, NM_001354895.2, NM_001354896.2 and 12 more transcripts); c.839_842del, p.His280fs (NM_001127511.3); c.923_926del, p.His308fs (NM_001354897.2, NM_001354902.2, NM_001407446.1); c.818_821del, p.His273fs (NM_001354898.2, NM_001354904.2, NM_001407451.1); c.809_812del, p.His270fs (NM_001354899.2, NM_001407452.1, NM_001407467.1 and 1 more transcripts); c.716_719del, p.His239fs (NM_001354900.2, NM_001354901.2, NM_001354905.2 and 1 more transcripts); c.44_47del, p.His15fs (NM_001354906.2, NM_001407470.1, NM_001407471.1 and 1 more transcripts); short protein forms H15fs, H239fs, H270fs, H273fs, H280fs, H298fs, H308fs.
Identifiers: ClinVar variation 2583643 (VCV002583643.1), dbSNP rs2532969910, ClinGen allele CA2582341280.
Genomic context (GRCh38, chr5:112,815,551, plus strand): 5'-TTAGGGTTCAACTACACGAATGGACCATGAAACAGCCAGTGTTTTGAGTTCTAGTAGCAC[ACACT>A]CTGCACCTCGAAGGCTGACAAGTCATCTGGGAACCAAGGTAACAGAAGATTACAAACCCT-3'

ClinVar aggregate classification (germline): Pathogenic (1 of 4 stars; one submission).

Conditions:
Familial adenomatous polyposis 1 (FAP1). Also called: POLYPOSIS, ADENOMATOUS INTESTINAL; FAMILIAL ADENOMATOUS POLYPOSIS 1, ATTENUATED. Identifiers: MedGen C2713442, MONDO:0021056, OMIM 175100. Disease mechanism: loss of function.

Submission:

Myriad Genetics, Inc.
Classification: Pathogenic for Familial adenomatous polyposis 1. Last evaluated: 2023-04-27. Review status: criteria provided, single submitter. Criteria: Myriad Autosomal Dominant, Autosomal Recessive and X-Linked Classification Criteria (2023). Collection method: clinical testing. Allele origin: unknown.
Comment: This variant is considered pathogenic. This variant creates a frameshift predicted to result in premature protein truncation.